The following is an entry in ClinVar:

ClinVar aggregate classification (germline): Uncertain significance (1 of 4 stars; one submission).

Allele frequency attached by ClinVar (database versions not stated): TOPMed below 0.00001.

Submission:

Labcorp Genetics (formerly Invitae), Labcorp
Classification: Uncertain significance. Last evaluated: 2022-07-08. Review status: criteria provided, single submitter. Criteria: Invitae Variant Classification Sherloc (09022015). Collection method: clinical testing. Allele origin: germline.
Comment: This sequence change replaces arginine, which is basic and polar, with proline, which is neutral and non-polar, at codon 61 of the PRPF3 protein (p.Arg61Pro). In summary, the available evidence is currently insufficient to determine the role of this variant in disease. Therefore, it has been classified as a Variant of Uncertain Significance. Algorithms developed to predict the effect of missense changes on protein structure and function are either unavailable or do not agree on the potential impact of this missense change (SIFT: "Tolerated"; PolyPhen-2: "Possibly Damaging"; Align-GVGD: "Class C0"). This missense change has been observed in individual(s) with clinical features of retinitis pigmentosa (Invitae). This variant is not present in population databases (gnomAD no frequency).

NM_004698.4(PRPF3):c.182G>C (p.Arg61Pro)

Gene: PRPF3 (pre-mRNA processing factor 3; plus strand). Cytogenetic location: 1q21.2.
Variant type: single nucleotide variant.
Coding change: c.182G>C on transcript NM_004698.4 (MANE Select); coding-DNA position 182, G replaced by C.
Protein change: p.Arg61Pro; replaces arginine 61 with proline.
Molecular consequence: missense variant. On other transcripts: 5 prime UTR variant (1), non-coding transcript variant (4).
Genome position (GRCh38, 1-based): chr1:150,325,787, G>C. VCF-style: chr1-150325787-G-C. GRCh37 (hg19) VCF-style: chr1-150298245-G-C.
Other names: c.-320G>C (NM_001350529.1); short protein forms R61P.
Identifiers: ClinVar variation 2015141 (VCV002015141.4), dbSNP rs782061609, ClinGen allele CA342286276.